The following is an entry in ClinVar:

ClinVar aggregate classification (germline): Likely pathogenic. Review status: criteria provided, multiple submitters, no conflicts (2 of 4 stars). 3 submissions from 3 submitters: Likely pathogenic (3). Last evaluated 2025-10-16.

Conditions:
Retinitis pigmentosa 39 (RP39). Identifiers: Orphanet 791, MedGen C3151138, MONDO:0013436, OMIM 613809.
Usher syndrome type 2A. Also called: RETINAL DISEASE IN USHER SYNDROME TYPE IIA, MODIFIER OF; USHER SYNDROME, TYPE IIA. Identifiers: Orphanet 231178, Orphanet 886, MedGen C1848634, MONDO:0010169, OMIM 276901.

Allele frequency attached by ClinVar (database versions not stated): gnomAD exomes below 0.00001; gnomAD 0.00001; TOPMed 0.00002; ESP Exome Variant Server 0.00008.
gnomAD v4.1: 2 of 1,613,152 alleles (0.00012%); highest among the groups gnomAD compares: African/African-American, 0.0013%; no homozygotes.

Submissions (3):

Natera, Inc.
Classification: Likely pathogenic for Usher syndrome type 2A. Last evaluated: 2025-10-16. Review status: criteria provided, single submitter. Criteria: Natera Variant Classification Schema (03/2026). Collection method: clinical testing. Allele origin: germline.
Comment: The c.4885+1G>A variant in USH2A is a canonical splice donor site variant predicted to affect pre-mRNA splicing, which may result in an abnormal transcript and altered protein product. This variant is expected to result in nonsense mediated decay, truncation, or a dysfunctional protein product. This variant is rare in the general population with a frequency below the threshold expected for the associated phenotype(s). Given the available evidence, this variant is classified as Likely Pathogenic.

Labcorp Genetics (formerly Invitae), Labcorp
Classification: Likely pathogenic. Last evaluated: 2023-12-02. Review status: criteria provided, single submitter. Criteria: Invitae Variant Classification Sherloc (09022015). Collection method: clinical testing. Allele origin: germline.
Comment: This sequence change affects a donor splice site in intron 23 of the USH2A gene. It is expected to disrupt RNA splicing. Variants that disrupt the donor or acceptor splice site typically lead to a loss of protein function (PMID: 16199547), and loss-of-function variants in USH2A are known to be pathogenic (PMID: 10729113, 10909849, 20507924, 25649381). This variant is not present in population databases (gnomAD no frequency). This variant has not been reported in the literature in individuals affected with USH2A-related conditions. ClinVar contains an entry for this variant (Variation ID: 1066595). Algorithms developed to predict the effect of sequence changes on RNA splicing suggest that this variant may disrupt the consensus splice site. In summary, the currently available evidence indicates that the variant is pathogenic, but additional data are needed to prove that conclusively. Therefore, this variant has been classified as Likely Pathogenic.

Baylor Genetics
Classification: Likely pathogenic for Retinitis pigmentosa 39. Last evaluated: 2023-02-10. Review status: criteria provided, single submitter. Criteria: ACMG Guidelines, 2015. Collection method: clinical testing. Allele origin: unknown.

Literature cited by the submitters: PubMed 16199547 (cited by Labcorp Genetics (formerly Invitae), Labcorp); PubMed 10729113 (cited by Labcorp Genetics (formerly Invitae), Labcorp); PubMed 10909849 (cited by Labcorp Genetics (formerly Invitae), Labcorp); PubMed 20507924 (cited by Labcorp Genetics (formerly Invitae), Labcorp); PubMed 25649381 (cited by Labcorp Genetics (formerly Invitae), Labcorp).

NM_206933.4(USH2A):c.4885+1G>A

Gene: USH2A (usherin; minus strand). Cytogenetic location: 1q41.
Variant type: single nucleotide variant.
Coding change: c.4885+1G>A on transcript NM_206933.4 (MANE Select); the canonical splice donor site of the intron after coding-DNA position 4885, G replaced by A.
Molecular consequence: splice donor variant.
Genome position (GRCh38, 1-based): chr1:216,089,012, C>T on the plus strand (G>A on the coding strand, the complement: USH2A is on the minus strand). VCF-style: chr1-216089012-C-T. GRCh37 (hg19) VCF-style: chr1-216262354-C-T.
Other names: c.4885+1G>A (NM_206933.2).
Identifiers: ClinVar variation 1066595 (VCV001066595.9), dbSNP rs150896588, ClinGen allele CA37449051.
Genomic context (GRCh38, chr1:216,089,012, plus strand): 5'-GAAAAGTATGGCAACACCAACATATCAACAGGGCTATTTATACATATCAAAAAGTACTTA[C>T]CTGTATATATCCCATCCAGAGTGATTTGGCCAAAAGCCTGATGCCTAATAGCAATTATTT-3'